The following is an entry in ClinVar:

GRCh38/hg38 16p13.11-12.3(chr16:15423185-18595075)x3

Genes: ABCC1 (ATP binding cassette subfamily C member 1 (ABCC1 blood group); plus strand), ABCC6 (ATP binding cassette subfamily C member 6; minus strand), BMERB1 (bMERB domain containing 1; plus strand), CEP20 (centrosomal protein 20; minus strand), MARF1 (meiosis regulator and mRNA stability factor 1; minus strand) and 72 more. Cytogenetic location: 16p13.11-12.3.
Variant type: copy number gain.
Change: copy number 3 (three copies instead of two) of chr16:15,423,185-18,595,075 (3.17 Mb, GRCh38 coordinates, 1-based), cytogenetic band 16p13.11-12.3.
Identifiers: ClinVar variation 4890960 (VCV004890960.1).

ClinVar aggregate classification (germline): Pathogenic (1 of 4 stars; one submission).

Submission:

Clinical Genomics Laboratory, Laboratory for Precision Diagnostics, University of Washington
Classification: Pathogenic. Last evaluated: 2024-01-15. Review status: criteria provided, single submitter. Criteria: ACMG/ClinGen CNV Guidelines, 2019. Collection method: clinical testing. Allele origin: maternal. Affected: yes. Observed: 1 variant allele.
Comment: This interstitial duplication is approximately 3.17 Mb in size and contains 13 protein-coding genes including MYH11. This duplication contains the entirety of the recurrent 16p13.11 duplication. The recurrent 16p13.11 microduplication has been associated with variety of features. The most frequent include speech and language delay, learning difficulties or intellectual disability, autism spectrum disorders, and congenital heart defects (see PMID:30287593 for a recent review). Upwards of 90% of people with the 16p13.11 microduplication have inherited it from a parent who has milder or even no manifestations. This, along with the presence of this larger 3.17 Mb duplication in a database of copy number variants found in healthy control groups (nsv457428, dgv4924n54, nssv3557968), is evidence of incomplete penetrance. Penetrance has been estimated at 7-8% (PMID:30287593, PMID: 30767844, PMID:23992924). Some authors have suggested that this duplication may be a risk factor for neurodevelopmental disorders that requires additional genetic or environmental factors to be expressed.

Literature cited by the submitters: PubMed 30287593.